The following is an entry in ClinVar:

ClinVar aggregate classification (germline): Uncertain significance. Review status: criteria provided, multiple submitters, no conflicts (2 of 4 stars). 3 submissions from 3 submitters: Uncertain significance (3). Last evaluated 2025-07-26.

Conditions:
RASopathy. Also called: Noonan spectrum disorder; rasopathies. Identifiers: Orphanet 536391, MedGen C5555857, MONDO:0021060.

Allele frequency attached by ClinVar (database versions not stated): gnomAD exomes below 0.00001.
gnomAD v4.1: 3 of 1,614,176 alleles (0.00019%); highest among the groups gnomAD compares: Admixed American, 0.0017%; no homozygotes.

Submissions (3):

GeneDx
Classification: Uncertain significance. Last evaluated: 2025-07-26. Review status: criteria provided, single submitter. Criteria: GeneDx Variant Classification Process June 2021. Collection method: clinical testing. Allele origin: germline. Affected: yes.
Comment: Not observed at significant frequency in large population cohorts (gnomAD); In silico analysis suggests that this missense variant does not alter protein structure/function; Has not been previously published as pathogenic or benign to our knowledge; This variant is associated with the following publications: (PMID: 20619386)

Labcorp Genetics (formerly Invitae), Labcorp
Classification: Uncertain significance for RASopathy. Last evaluated: 2025-06-08. Review status: criteria provided, single submitter. Criteria: Invitae Variant Classification Sherloc (09022015). Collection method: clinical testing. Allele origin: germline.
Comment: This sequence change replaces alanine, which is neutral and non-polar, with valine, which is neutral and non-polar, at codon 513 of the CBL protein (p.Ala513Val). This variant is not present in population databases (gnomAD no frequency). This variant has not been reported in the literature in individuals affected with CBL-related conditions. ClinVar contains an entry for this variant (Variation ID: 917768). Invitae Evidence Modeling of protein sequence and biophysical properties (such as structural, functional, and spatial information, amino acid conservation, physicochemical variation, residue mobility, and thermodynamic stability) indicates that this missense variant is not expected to disrupt CBL protein function with a negative predictive value of 95%. In summary, the available evidence is currently insufficient to determine the role of this variant in disease. Therefore, it has been classified as a Variant of Uncertain Significance.

Women's Health and Genetics/Laboratory Corporation of America, LabCorp
Classification: Uncertain significance. Last evaluated: 2020-04-20. Review status: criteria provided, single submitter. Criteria: LabCorp Variant Classification Summary - May 2015. Collection method: clinical testing. Allele origin: germline.
Comment: Variant summary: CBL c.1538C>T (p.Ala513Val) results in a non-conservative amino acid change in the encoded protein sequence. Three of five in-silico tools predict a benign effect of the variant on protein function. The variant was absent in 251472 control chromosomes. The available data on variant occurrences in the general population are insufficient to allow any conclusion about variant significance. To our knowledge, no occurrence of c.1538C>T in individuals affected with Noonan Syndrome And Related Conditions and no experimental evidence demonstrating its impact on protein function have been reported. No clinical diagnostic laboratories have submitted clinical-significance assessments for this variant to ClinVar after 2014. Based on the evidence outlined above, the variant was classified as uncertain significance.

NM_005188.4(CBL):c.1538C>T (p.Ala513Val)

Gene: CBL (Cbl proto-oncogene; plus strand). Cytogenetic location: 11q23.3.
Variant type: single nucleotide variant.
Coding change: c.1538C>T on transcript NM_005188.4 (MANE Select); coding-DNA position 1538, C replaced by T.
Protein change: p.Ala513Val; replaces alanine 513 with valine.
Molecular consequence: missense variant.
Genome position (GRCh38, 1-based): chr11:119,285,075, C>T. VCF-style: chr11-119285075-C-T. GRCh37 (hg19) VCF-style: chr11-119155785-C-T.
Other names: c.1538C>T (NM_005188.2); short protein forms A513V.
Identifiers: ClinVar variation 917768 (VCV000917768.11), dbSNP rs1949970576, ClinGen allele CA382918469.